The following is an entry in ClinVar:

NM_000368.5(TSC1):c.2209-18_2209-17dup

Gene: TSC1 (TSC complex subunit 1; minus strand). Cytogenetic location: 9q34.13.
Variant type: Duplication.
Coding change: c.2209-18_2209-17dup on transcript NM_000368.5 (MANE Select); 18 bases into the intron before coding-DNA position 2209 through 17 bases into the intron before coding-DNA position 2209, 2 bases duplicated (AT; older notation c.2209-18_2209-17dupAT).
Molecular consequence: intron variant.
Genome position (GRCh38, 1-based): chr9:132,902,804-132,902,805, AT duplicated on the plus strand (AT on the coding strand, the reverse complement: TSC1 is on the minus strand). VCF-style (leftmost placement, unchanged base first): chr9-132902803-A-AAT. GRCh37 (hg19) VCF-style: chr9-135778190-A-AAT.
Other names: c.1843-18_1843-17dup (NM_001406620.1, NM_001406625.1, NM_001406621.1 and 2 more transcripts); c.1846-18_1846-17dup (NM_001406618.1, NM_001406617.1, NM_001406619.1 and 5 more transcripts); c.2053-18_2053-17dup (NM_001406613.1, NM_001406612.1, NM_001406611.1); c.2056-18_2056-17dup (NM_001406610.1, NM_001162427.2); c.1255-18_1255-17dup (NM_001406627.1, NM_001406628.1); c.1156-18_1156-17dup (NM_001406629.1, NM_001406630.1); c.2191-18_2191-17dup (NM_001406603.1, NM_001406604.1); c.2206-18_2206-17dup (NM_001406609.1, NM_001406597.1, NM_001406600.1 and 4 more transcripts); and 3 more.
Identifiers: ClinVar variation 4071302 (VCV004071302.1).

ClinVar aggregate classification (germline): Likely benign (1 of 4 stars; one submission).

Conditions:
Tuberous sclerosis 1 (TSC1). Identifiers: Orphanet 805, MedGen C1854465, MONDO:0008612, OMIM 191100.

Submission:

Myriad Genetics, Inc.
Classification: Likely benign for Tuberous sclerosis 1. Last evaluated: 2025-04-24. Review status: criteria provided, single submitter. Criteria: Myriad Autosomal Dominant, Autosomal Recessive and X-Linked Classification Criteria (2023). Collection method: clinical testing. Allele origin: unknown.
Comment: This variant is considered likely benign. This variant is intronic and is not expected to impact mRNA splicing.